The following is an entry in ClinVar:

NM_001034842.5(PTCHD3):c.1889G>A (p.Arg630Gln)

Gene: PTCHD3 (patched domain containing 3 (gene/pseudogene); minus strand). Cytogenetic location: 10p12.1.
Variant type: single nucleotide variant.
Coding change: c.1889G>A on transcript NM_001034842.5; coding-DNA position 1889, G replaced by A.
Protein change: p.Arg630Gln; replaces arginine 630 with glutamine.
Molecular consequence: missense variant.
Genome position (GRCh38, 1-based): chr10:27,398,709, C>T on the plus strand (G>A on the coding strand, the complement: PTCHD3 is on the minus strand). VCF-style: chr10-27398709-C-T. GRCh37 (hg19) VCF-style: chr10-27687638-C-T.
Other names: short protein forms R630Q.
Identifiers: ClinVar variation 3904810 (VCV003904810.10).
Genomic context (GRCh38, chr10:27,398,709, plus strand): 5'-AAATAATTCTCCTCTACGTTAAAATATGGTGTGATGTAGGAATCGTCACTTGCCAGATTT[C>T]GAAGGTCTAAACCTTCCTGCACATGGAAACACCCATATATACTGCTTATGATGTACAAAA-3'

ClinVar aggregate classification (germline): Likely benign (1 of 4 stars; one submission).

Submission:

CeGaT Center for Human Genetics Tuebingen
Classification: Likely benign. Last evaluated: 2025-05-01. Review status: criteria provided, single submitter. Criteria: CeGaT Center For Human Genetics Tuebingen Variant Classification Criteria Version 2. Collection method: clinical testing. Allele origin: germline. Affected: yes. Observed: 1 variant allele.
Comment: PTCHD3: BP4, BS2